The following is an entry in ClinVar:

NM_006885.4(ZFHX3):c.4520del (p.Gly1507fs)

Genes: ZFHX3 (zinc finger homeobox 3; minus strand), ZFHX3-AS1 (ZFHX3 antisense RNA 1; plus strand). Cytogenetic location: 16q22.2.
Variant type: Deletion.
Coding change: c.4520del on transcript NM_006885.4 (MANE Select); coding-DNA position 4520, one base deleted (G; older notation c.4520delG).
Protein change: p.Gly1507fs; shifts the reading frame from glycine 1507.
Molecular consequence: frameshift variant.
Genome position (GRCh38, 1-based): chr16:72,798,162, C deleted on the plus strand (G on the coding strand, the reverse complement: ZFHX3 is on the minus strand); the first of 3 consecutive C bases (chr16:72,798,162-72,798,164); deleting any one gives the same sequence. VCF-style (leftmost placement, unchanged base first): chr16-72798161-GC-G. GRCh37 (hg19) VCF-style: chr16-72832060-GC-G.
Other names: c.1778del, p.Gly593fs (NM_001164766.2); c.4520del, p.Gly1507fs (NM_001386735.1); short protein forms G1507fs, G593fs.
Identifiers: ClinVar variation 4526437 (VCV004526437.1).
Genomic context (GRCh38, chr16:72,798,161, plus strand): 5'-GAAAGGCAGAGCTCTCTTTGGCTCTGAGCCCGAGTCTTCTTGTACTGACCCAGAGTCACT[GC>G]CCGTTGGGCTCTGTTTATCTTCCAAGTCACTCTCTTCCTCCTTGTCTTCCTCAACAATTA-3'

ClinVar aggregate classification (germline): Likely pathogenic (1 of 4 stars; one submission).

Conditions:
Syndromic intellectual disability. Also called: Intellectual disability syndrome. Identifiers: Orphanet 183763, MedGen C5680525, MONDO:0000508.

Submission:

Department of Clinical Genetics, Aarhus University Hospital
Classification: Likely pathogenic for Syndromic intellectual disability. Review status: criteria provided, single submitter. Criteria: ACMG Guidelines, 2015. Collection method: clinical testing. Allele origin: inherited. Affected: yes.
Comment: This variant is a frameshift variant predicted to cause a premature termination codon in exon 9 of 10 (more than 55 nt from last exon:exon junction) potentially leading to NMD and loss-of-function. It is not seen in the gnomAD 4.1 database. María del Rocío Pérez et al. 2024 (PMID: 38412861) has established LoF as a mechanism for syndromic intellectual disability. According to the ACMG guidelines, this variant is interpreted as likely pathogenic (PVS1, PM2_sup).

Literature cited by the submitters: PubMed 38412861.